The following is an entry in ClinVar:

ClinVar aggregate classification (germline): Uncertain significance. Review status: criteria provided, multiple submitters, no conflicts (2 of 4 stars). 2 submissions from 2 submitters: Uncertain significance (2). Last evaluated 2022-04-13.

Allele frequency attached by ClinVar (database versions not stated): 1000 Genomes Project 30x 0.00016; TOPMed below 0.00001; gnomAD 0.00001; gnomAD exomes 0.00001.
gnomAD v4.1: 7 of 1,600,140 alleles (0.00044%); highest among the groups gnomAD compares: East Asian, 0.011%; no homozygotes.

Submissions (2):

Ambry Genetics
Classification: Uncertain significance. Last evaluated: 2022-04-13. Review status: criteria provided, single submitter. Criteria: Ambry Variant Classification Scheme 2023. Collection method: clinical testing. Allele origin: germline.

Labcorp Genetics (formerly Invitae), Labcorp
Classification: Uncertain significance. Last evaluated: 2021-09-27. Review status: criteria provided, single submitter. Criteria: Invitae Variant Classification Sherloc (09022015). Collection method: clinical testing. Allele origin: germline.
Comment: Algorithms developed to predict the effect of missense changes on protein structure and function output the following: SIFT: "Tolerated"; PolyPhen-2: "Benign"; Align-GVGD: "Class C0". The aspartic acid amino acid residue is found in multiple mammalian species, which suggests that this missense change does not adversely affect protein function. In summary, the available evidence is currently insufficient to determine the role of this variant in disease. Therefore, it has been classified as a Variant of Uncertain Significance. This variant has not been reported in the literature in individuals affected with PALM-related conditions. This variant is not present in population databases (ExAC no frequency). This sequence change replaces glutamic acid with aspartic acid at codon 365 of the PALM protein (p.Glu365Asp). The glutamic acid residue is weakly conserved and there is a small physicochemical difference between glutamic acid and aspartic acid.

NM_002579.3(PALM):c.1095G>T (p.Glu365Asp)

Gene: PALM (paralemmin; plus strand). Cytogenetic location: 19p13.3.
Variant type: single nucleotide variant.
Coding change: c.1095G>T on transcript NM_002579.3 (MANE Select); coding-DNA position 1095, G replaced by T.
Protein change: p.Glu365Asp; replaces glutamic acid 365 with aspartic acid.
Molecular consequence: missense variant.
Genome position (GRCh38, 1-based): chr19:746,745, G>T. VCF-style: chr19-746745-G-T. GRCh37 (hg19) VCF-style: chr19-746745-G-T.
Other names: c.963G>T, p.Glu321Asp (NM_001040134.2); c.1095G>T (NM_002579.2); short protein forms E321D, E365D.
Identifiers: ClinVar variation 1519758 (VCV001519758.7), dbSNP rs866808189, ClinGen allele CA303951009.